The following is an entry in ClinVar:

ClinVar aggregate classification (germline): Uncertain significance (0 of 4 stars; one submission).

Conditions:
TTN-related disorder. Also called: TTN-related condition; TTN-related disease; TTN-related disorders.

Submission:

PreventionGenetics, part of Exact Sciences
Classification: Uncertain significance for TTN-related condition. Last evaluated: 2024-02-26. Review status: no assertion criteria provided. Collection method: clinical testing. Allele origin: germline.
Comment: The TTN c.27968C>T variant is predicted to result in the amino acid substitution p.Ala9323Val. To our knowledge, this variant has not been reported in the literature or in a large population database, indicating this variant is rare. At this time, the clinical significance of this variant is uncertain due to the absence of conclusive functional and genetic evidence.

NM_001267550.2(TTN):c.27968C>T (p.Ala9323Val)

Gene: TTN (titin; minus strand). Cytogenetic location: 2q31.2.
Variant type: single nucleotide variant.
Coding change: c.27968C>T on transcript NM_001267550.2 (MANE Select); coding-DNA position 27968, C replaced by T.
Protein change: p.Ala9323Val; replaces alanine 9323 with valine.
Molecular consequence: missense variant. On other transcripts: intron variant (3).
Genome position (GRCh38, 1-based): chr2:178,711,268, G>A on the plus strand (C>T on the coding strand, the complement: TTN is on the minus strand). VCF-style: chr2-178711268-G-A. GRCh37 (hg19) VCF-style: chr2-179575995-G-A.
Other names: c.27017C>T, p.Ala9006Val (NM_001256850.1); c.24236C>T, p.Ala8079Val (NM_133378.4); c.13282+26814C>T (NM_003319.4); c.13858+26814C>T (NM_133437.4); c.13657+26814C>T (NM_133432.3); short protein forms A8079V, A9006V, A9323V.
Identifiers: ClinVar variation 3050417 (VCV003050417.2), dbSNP rs2076615457, ClinGen allele CA349442461.
Genomic context (GRCh38, chr2:178,711,268, plus strand): 5'-TCTTTCAATGGCTTGCCGTCTTTATACCAAGACACGGAGATAGGTTCTGATCCACTTATG[G>A]CACAATCAAAAACAACTGGCAGTCCAACTGTTTCTTGAACATCTCTCAATTGTCGAGAAA-3'
Protein context (NP_001254479.2, residues 9313-9333): TVGLPVVFDC[Ala9323Val]ISGSEPISVS